The following is an entry in ClinVar:

NM_001101426.4(CRPPA):c.496G>A (p.Val166Ile)

Gene: CRPPA (CDP-L-ribitol pyrophosphorylase A; minus strand). Cytogenetic location: 7p21.2.
Variant type: single nucleotide variant.
Coding change: c.496G>A on transcript NM_001101426.4 (MANE Select); coding-DNA position 496, G replaced by A.
Protein change: p.Val166Ile; replaces valine 166 with isoleucine.
Molecular consequence: missense variant. On other transcripts: non-coding transcript variant (1).
Genome position (GRCh38, 1-based): chr7:16,406,099, C>T on the plus strand (G>A on the coding strand, the complement: CRPPA is on the minus strand). VCF-style: chr7-16406099-C-T. GRCh37 (hg19) VCF-style: chr7-16445724-C-T.
Other names: c.496G>A, p.Val166Ile (NM_001101417.4, NM_001368197.1); short protein forms V166I.
Identifiers: ClinVar variation 1680789 (VCV001680789.8), dbSNP rs2128318425, ClinGen allele CA367002187.

ClinVar aggregate classification (germline): Uncertain significance (1 of 4 stars; one submission).

Conditions:
Muscular dystrophy-dystroglycanopathy (congenital with brain and eye anomalies), type A, 7. Also called: WALKER-WARBURG SYNDROME OR MUSCLE-EYE-BRAIN DISEASE, ISPD-RELATED; Congenital muscular dystrophy-dystroglycanopathy with brain and eye anomalies, type A7. Identifiers: Orphanet 899, MedGen C3553330, MONDO:0013835, OMIM 614643.
Autosomal recessive limb-girdle muscular dystrophy type 2U. Also called: Muscular dystrophy-dystroglycanopathy (limb-girdle), type c, 7; MUSCULAR DYSTROPHY, LIMB-GIRDLE, TYPE 2U. Identifiers: Orphanet 352479, MedGen C5190987, MONDO:0014474, OMIM 616052.

Submission:

Labcorp Genetics (formerly Invitae), Labcorp
Classification: Uncertain significance for Muscular dystrophy-dystroglycanopathy (congenital with brain and eye anomalies), type A, 7; Autosomal recessive limb-girdle muscular dystrophy type 2U. Last evaluated: 2021-06-17. Review status: criteria provided, single submitter. Criteria: Invitae Variant Classification Sherloc (09022015). Collection method: clinical testing. Allele origin: germline.
Comment: This sequence change replaces valine with isoleucine at codon 166 of the ISPD protein (p.Val166Ile). The valine residue is weakly conserved and there is a small physicochemical difference between valine and isoleucine. In summary, the available evidence is currently insufficient to determine the role of this variant in disease. Therefore, it has been classified as a Variant of Uncertain Significance. Algorithms developed to predict the effect of missense changes on protein structure and function output the following: SIFT: "Tolerated"; PolyPhen-2: "Benign"; Align-GVGD: "Class C0". The isoleucine amino acid residue is found in multiple mammalian species, suggesting that this missense change does not adversely affect protein function. These predictions have not been confirmed by published functional studies and their clinical significance is uncertain. This variant has not been reported in the literature in individuals with ISPD-related conditions. This variant is not present in population databases (ExAC no frequency).